The following is an entry in ClinVar:

ClinVar aggregate classification (germline): Uncertain significance (1 of 4 stars; one submission).

Conditions:
Spastic paraplegia. Identifiers: MedGen C0037772, HP:0001258.

gnomAD v4.1: 3 of 1,614,226 alleles (0.00019%); highest among the groups gnomAD compares: Admixed American, 0.0033%; no homozygotes.

Submission:

Labcorp Genetics (formerly Invitae), Labcorp
Classification: Uncertain significance for Spastic paraplegia. Last evaluated: 2022-06-26. Review status: criteria provided, single submitter. Criteria: Invitae Variant Classification Sherloc (09022015). Collection method: clinical testing. Allele origin: germline.
Comment: In summary, the available evidence is currently insufficient to determine the role of this variant in disease. Therefore, it has been classified as a Variant of Uncertain Significance. This sequence change replaces isoleucine, which is neutral and non-polar, with leucine, which is neutral and non-polar, at codon 565 of the SACS protein (p.Ile565Leu). This variant is not present in population databases (gnomAD no frequency). This variant has not been reported in the literature in individuals affected with SACS-related conditions. Advanced modeling of protein sequence and biophysical properties (such as structural, functional, and spatial information, amino acid conservation, physicochemical variation, residue mobility, and thermodynamic stability) performed at Invitae indicates that this missense variant is not expected to disrupt SACS protein function.

NM_014363.6(SACS):c.1693A>C (p.Ile565Leu)

Gene: SACS (sacsin molecular chaperone; minus strand). Cytogenetic location: 13q12.12.
Variant type: single nucleotide variant.
Coding change: c.1693A>C on transcript NM_014363.6 (MANE Select); coding-DNA position 1693, A replaced by C.
Protein change: p.Ile565Leu; replaces isoleucine 565 with leucine.
Molecular consequence: missense variant.
Genome position (GRCh38, 1-based): chr13:23,354,919, T>G on the plus strand (A>C on the coding strand, the complement: SACS is on the minus strand). VCF-style: chr13-23354919-T-G. GRCh37 (hg19) VCF-style: chr13-23929058-T-G.
Other names: c.1252A>C, p.Ile418Leu (NM_001278055.2); short protein forms I418L, I565L.
Identifiers: ClinVar variation 1492688 (VCV001492688.7), dbSNP rs772240153, ClinGen allele CA387547176.